The following is an entry in ClinVar:

ClinVar aggregate classification (germline): Uncertain significance (1 of 4 stars; one submission).

Conditions:
Hereditary spastic paraplegia 7 (SPG7). Also called: SPASTIC PARAPLEGIA 7, AUTOSOMAL RECESSIVE, WITH OR WITHOUT CEREBELLAR ATAXIA; SPG7-related neurologic disorder; Spastic paraplegia 7; Hereditary spastic paraplegia Paraplegin type; Autosomal recessive spastic paraplegia type 7. Identifiers: Orphanet 99013, MedGen C1846564, MONDO:0011803, OMIM 607259.

Submission:

Labcorp Genetics (formerly Invitae), Labcorp
Classification: Uncertain significance for Hereditary spastic paraplegia 7. Last evaluated: 2024-04-26. Review status: criteria provided, single submitter. Criteria: Invitae Variant Classification Sherloc (09022015). Collection method: clinical testing. Allele origin: germline.
Comment: This sequence change replaces alanine, which is neutral and non-polar, with valine, which is neutral and non-polar, at codon 59 of the SPG7 protein (p.Ala59Val). This variant is present in population databases (rs758594348, gnomAD 0.006%). This variant has not been reported in the literature in individuals affected with SPG7-related conditions. Advanced modeling of protein sequence and biophysical properties (such as structural, functional, and spatial information, amino acid conservation, physicochemical variation, residue mobility, and thermodynamic stability) performed at Invitae indicates that this missense variant is not expected to disrupt SPG7 protein function with a negative predictive value of 95%. In summary, the available evidence is currently insufficient to determine the role of this variant in disease. Therefore, it has been classified as a Variant of Uncertain Significance.

NM_003119.4(SPG7):c.176C>T (p.Ala59Val)

Genes: SPG7 (SPG7 matrix AAA peptidase subunit, paraplegin; plus strand), LOC130059818 (ATAC-STARR-seq lymphoblastoid silent region 7911; plus strand). Cytogenetic location: 16q24.3.
Variant type: single nucleotide variant.
Coding change: c.176C>T on transcript NM_003119.4 (MANE Select); coding-DNA position 176, C replaced by T.
Protein change: p.Ala59Val; replaces alanine 59 with valine.
Molecular consequence: missense variant.
Genome position (GRCh38, 1-based): chr16:89,508,593, C>T. VCF-style: chr16-89508593-C-T. GRCh37 (hg19) VCF-style: chr16-89575001-C-T.
Other names: c.176C>T, p.Ala59Val (NM_001363850.1, NM_199367.3); short protein forms A59V.
Identifiers: ClinVar variation 3616451 (VCV003616451.2).